The following is an entry in ClinVar:

ClinVar aggregate classification (germline): Likely benign. Review status: criteria provided, multiple submitters, no conflicts (2 of 4 stars). 2 submissions from 2 submitters: Likely benign (2). Last evaluated 2022-06-15.

Allele frequency attached by ClinVar (database versions not stated): ExAC 0.00002; gnomAD exomes 0.00002 and 0.00005; gnomAD 0.00003; TOPMed 0.00003.
gnomAD v4.1: 37 of 1,613,862 alleles (0.0023%); highest among the groups gnomAD compares: Admixed American, 0.012%; no homozygotes.

Submissions (2):

Labcorp Genetics (formerly Invitae), Labcorp
Classification: Likely benign. Last evaluated: 2022-06-15. Review status: criteria provided, single submitter. Criteria: Invitae Variant Classification Sherloc (09022015). Collection method: clinical testing. Allele origin: germline.

GeneDx
Classification: Likely benign. Last evaluated: 2017-06-27. Review status: criteria provided, single submitter. Criteria: GeneDx Variant Classification (06012015). Collection method: clinical testing. Allele origin: germline. Affected: yes.
Comment: This variant is considered likely benign or benign based on one or more of the following criteria: it is a conservative change, it occurs at a poorly conserved position in the protein, it is predicted to be benign by multiple in silico algorithms, and/or has population frequency not consistent with disease.

NM_002949.4(MRPL12):c.528C>T (p.Val176=)

Gene: MRPL12 (mitochondrial ribosomal protein L12; plus strand). Cytogenetic location: 17q25.3.
Variant type: single nucleotide variant.
Coding change: c.528C>T on transcript NM_002949.4 (MANE Select); coding-DNA position 528, C replaced by T.
Protein change: p.Val176=; no amino-acid change (valine 176 retained).
Molecular consequence: synonymous variant.
Genome position (GRCh38, 1-based): chr17:81,707,171, C>T. VCF-style: chr17-81707171-C-T. GRCh37 (hg19) VCF-style: chr17-79674201-C-T.
Identifiers: ClinVar variation 518096 (VCV000518096.5), dbSNP rs750264166, ClinGen allele CA8841429.